The following is an entry in ClinVar:

ClinVar aggregate classification (germline): Likely pathogenic (1 of 4 stars; one submission).

Conditions:
Intellectual developmental disorder, X-linked 104. Also called: Intellectual disability, X-linked 104. Identifiers: MedGen C4310817, MONDO:0010509, OMIM 300983.

Submission:

Illumina Laboratory Services, Illumina
Classification: Likely pathogenic for Intellectual developmental disorder, X-linked 104. Last evaluated: 2020-04-23. Review status: criteria provided, single submitter. Criteria: ICSLVariantClassificationCriteria RUGD 01 April 2020. Collection method: clinical testing. Allele origin: unknown.
Comment: The FRMPD4 c.1071-1G>A variant results in a substitution at the consensus splice acceptor site, which is predicted to result in splicing defects that may lead to a truncated protein. A literature search was performed for the gene, cDNA change, and amino acid change. No publications were found based on this search. This variant is not observed in version 2.1.1 of the Genome Aggregation Database. Based on the evidence, the c.1071-1G>A variant is classified as likely pathogenic for X-linked intellectual developmental disorder.

NM_001368397.1(FRMPD4):c.1071-1G>A

Gene: FRMPD4 (FERM and PDZ domain containing 4; plus strand). Cytogenetic location: Xp22.2.
Variant type: single nucleotide variant.
Coding change: c.1071-1G>A on transcript NM_001368397.1 (MANE Select); the canonical splice acceptor site of the intron before coding-DNA position 1071, G replaced by A.
Molecular consequence: splice acceptor variant.
Genome position (GRCh38, 1-based): chrX:12,704,358, G>A. VCF-style: chrX-12704358-G-A. GRCh37 (hg19) VCF-style: chrX-12722477-G-A.
Other names: c.1182-1G>A (NM_001368398.3, NM_001368395.3); c.1047-1G>A (NM_001368402.3, NM_001368401.1); c.951-1G>A (NM_001368400.3); c.1062-1G>A (NM_001368399.3); c.1071-1G>A (NM_014728.3); c.1077-1G>A (NM_001368396.3).
Identifiers: ClinVar variation 3062128 (VCV003062128.1), dbSNP rs2519807297, ClinGen allele CA412008615.